The following is an entry in ClinVar:

NC_000018.9:g.(?_55217944)_(58039582_?)del

Genes: ATP8B1 (ATPase phospholipid transporting 8B1; minus strand), ALPK2 (alpha kinase 2; minus strand), CCBE1 (collagen and calcium binding EGF domains 1; minus strand), CPLX4 (complexin 4; minus strand), FECH (ferrochelatase; minus strand) and 11 more. Cytogenetic location: 18q21.31-21.32.
Variant type: Deletion.
Identifiers: ClinVar variation 1460199 (VCV001460199.37).

ClinVar aggregate classification (germline): Uncertain significance (1 of 4 stars; one submission).

Submission:

Labcorp Genetics (formerly Invitae), Labcorp
Classification: Uncertain significance. Last evaluated: 2021-09-02. Review status: criteria provided, single submitter. Criteria: Invitae Variant Classification Sherloc (09022015). Collection method: clinical testing. Allele origin: germline.
Comment: A gross deletion of the genomic region encompassing the full coding sequence of the NEDD4L gene has been identified. The current clinical and genetic evidence is not sufficient to establish whether loss-of-function variants in NEDD4L cause disease. The boundaries of this event are unknown as they extend beyond the assayed region for this gene and therefore may encompass additional genes. Isolated whole-gene deletions of NEDD4L have not been reported in the literature. However, larger copy number events that include this gene have been reported (PMID: 30866059). In summary, the available evidence is currently insufficient to determine the role of this variant in disease. Therefore, it has been classified as a Variant of Uncertain Significance.

Literature cited by the submitters: PubMed 30866059.